The following is an entry in ClinVar:

ClinVar aggregate classification (germline): Uncertain significance (1 of 4 stars; one submission).

Allele frequency attached by ClinVar (database versions not stated): gnomAD exomes 0.00001; TOPMed 0.00001; gnomAD 0.00002.
gnomAD v4.1: 24 of 1,613,752 alleles (0.0015%); highest among the groups gnomAD compares: Non-Finnish European, 0.0019%; no homozygotes.

Submission:

GeneDx
Classification: Uncertain significance. Last evaluated: 2014-10-06. Review status: criteria provided, single submitter. Criteria: GeneDx Variant Classification (06012015). Collection method: clinical testing. Allele origin: germline. Affected: yes.
Comment: Missense variants in the TTN gene are considered 'unclassified' if they are not previously reported in the literature and do not have >1% frequency in the population to be considered a polymorphism. Research indicates that truncating mutations in the TTN gene are expected to account for approximately 25% of familial and 18% of sporadic idiopathic DCM; however, truncating variants in the TTN gene have been reported in approximately 3% of reported control alleles. There has been little investigation into non-truncating variants. (Herman D et al. Truncations of titin causing dilated cardiomyopathy. N Eng J Med 366:619-628, 2012) The variant is found in CARDIOMYOPATHY panel(s).

NM_001267550.2(TTN):c.88589T>A (p.Ile29530Asn)

Genes: TTN (titin; minus strand), TTN-AS1 (TTN antisense RNA 1; plus strand). Cytogenetic location: 2q31.2.
Variant type: single nucleotide variant.
Coding change: c.88589T>A on transcript NM_001267550.2 (MANE Select); coding-DNA position 88589, T replaced by A.
Protein change: p.Ile29530Asn; replaces isoleucine 29530 with asparagine.
Molecular consequence: missense variant.
Genome position (GRCh38, 1-based): chr2:178,554,870, A>T on the plus strand (T>A on the coding strand, the complement: TTN is on the minus strand). VCF-style: chr2-178554870-A-T. GRCh37 (hg19) VCF-style: chr2-179419597-A-T.
Other names: p.I27889N:ATC>AAC; c.83666T>A, p.Ile27889Asn (NM_001256850.1); c.61394T>A, p.Ile20465Asn (NM_003319.4); c.80885T>A, p.Ile26962Asn (NM_133378.4); c.61769T>A, p.Ile20590Asn (NM_133432.3); c.61970T>A, p.Ile20657Asn (NM_133437.4); short protein forms I27889N, I29530N, I26962N, I20465N, I20590N, I20657N.
Identifiers: ClinVar variation 202949 (VCV000202949.2), dbSNP rs794729524, ClinGen allele CA310781.